The following is an entry in ClinVar:

NM_024312.5(GNPTAB):c.1292T>A (p.Leu431Ter)

Gene: GNPTAB (N-acetylglucosamine-1-phosphate transferase subunits alpha and beta; minus strand). Cytogenetic location: 12q23.2.
Variant type: single nucleotide variant.
Coding change: c.1292T>A on transcript NM_024312.5 (MANE Select); coding-DNA position 1292, T replaced by A.
Protein change: p.Leu431Ter; replaces leucine 431 with a stop codon.
Molecular consequence: nonsense.
Genome position (GRCh38, 1-based): chr12:101,768,153, A>T on the plus strand (T>A on the coding strand, the complement: GNPTAB is on the minus strand). VCF-style: chr12-101768153-A-T. GRCh37 (hg19) VCF-style: chr12-102161931-A-T.
Other names: short protein forms L431*.
Identifiers: ClinVar variation 1445251 (VCV001445251.6), dbSNP rs2137121384, ClinGen allele CA386302116.

ClinVar aggregate classification (germline): Pathogenic (1 of 4 stars; one submission).

Conditions:
Pseudo-Hurler polydystrophy. Also called: ML III; ML III ALPHA/BETA; MUCOLIPIDOSIS IIIA; Type III Mucolipidosis; ML IIIA; Mucolipidosis III Alpha/Beta. Identifiers: Orphanet 423461, Orphanet 577, MedGen C0033788, MONDO:0018931, OMIM 252600.
Mucolipidosis type II. Also called: ML II ALPHA/BETA; Mucolipidosis 2; ML 2; Inclusion cell disease; Leroy Disease; N-acetylglucosamine 1phosphotransferase deficiency. Identifiers: Orphanet 576, MedGen C2673377, MONDO:0009650, OMIM 252500.

Submission:

Labcorp Genetics (formerly Invitae), Labcorp
Classification: Pathogenic for Pseudo-Hurler polydystrophy; Mucolipidosis type II. Last evaluated: 2021-11-10. Review status: criteria provided, single submitter. Criteria: Invitae Variant Classification Sherloc (09022015). Collection method: clinical testing. Allele origin: germline.
Comment: For these reasons, this variant has been classified as Pathogenic. This variant has not been reported in the literature in individuals affected with GNPTAB-related conditions. This variant is not present in population databases (gnomAD no frequency). This sequence change creates a premature translational stop signal (p.Leu431*) in the GNPTAB gene. It is expected to result in an absent or disrupted protein product. Loss-of-function variants in GNPTAB are known to be pathogenic (PMID: 19617216, 25107912).

Literature cited by the submitters: PubMed 19617216; PubMed 25107912.